The following is an entry in ClinVar:

NM_002941.4(ROBO1):c.3562C>T (p.Pro1188Ser)

Gene: ROBO1 (roundabout guidance receptor 1; minus strand). Cytogenetic location: 3p12.3.
Variant type: single nucleotide variant.
Coding change: c.3562C>T on transcript NM_002941.4 (MANE Select); coding-DNA position 3562, C replaced by T.
Protein change: p.Pro1188Ser; replaces proline 1188 with serine.
Molecular consequence: missense variant.
Genome position (GRCh38, 1-based): chr3:78,631,225, G>A on the plus strand (C>T on the coding strand, the complement: ROBO1 is on the minus strand). VCF-style: chr3-78631225-G-A. GRCh37 (hg19) VCF-style: chr3-78680375-G-A.
Other names: c.3262C>T, p.Pro1088Ser (NM_001145845.2); c.3427C>T, p.Pro1143Ser (NM_133631.4); short protein forms P1188S, P1088S, P1143S.
Identifiers: ClinVar variation 4766919 (VCV004766919.1).

ClinVar aggregate classification (germline): Uncertain significance (1 of 4 stars; one submission).

gnomAD v4.1: 29 of 1,613,264 alleles (0.0018%); highest among the groups gnomAD compares: Non-Finnish European, 0.0023%; no homozygotes.

Submission:

Labcorp Genetics (formerly Invitae), Labcorp
Classification: Uncertain significance. Last evaluated: 2025-05-27. Review status: criteria provided, single submitter. Criteria: Invitae Variant Classification Sherloc (09022015). Collection method: clinical testing. Allele origin: germline.
Comment: This sequence change replaces proline, which is neutral and non-polar, with serine, which is neutral and polar, at codon 1188 of the ROBO1 protein (p.Pro1188Ser). This variant is present in population databases (rs371015142, gnomAD 0.0009%). This variant has not been reported in the literature in individuals affected with ROBO1-related conditions. Invitae Evidence Modeling of protein sequence and biophysical properties (such as structural, functional, and spatial information, amino acid conservation, physicochemical variation, residue mobility, and thermodynamic stability) indicates that this missense variant is expected to disrupt ROBO1 protein function with a positive predictive value of 95%. In summary, the available evidence is currently insufficient to determine the role of this variant in disease. Therefore, it has been classified as a Variant of Uncertain Significance.